The following is an entry in ClinVar:

NM_003489.4(NRIP1):c.2740G>A (p.Gly914Ser)

Gene: NRIP1 (nuclear receptor interacting protein 1; minus strand). Cytogenetic location: 21q11.2.
Variant type: single nucleotide variant.
Coding change: c.2740G>A on transcript NM_003489.4 (MANE Select); coding-DNA position 2740, G replaced by A.
Protein change: p.Gly914Ser; replaces glycine 914 with serine.
Molecular consequence: missense variant.
Genome position (GRCh38, 1-based): chr21:14,965,453, C>T on the plus strand (G>A on the coding strand, the complement: NRIP1 is on the minus strand). VCF-style: chr21-14965453-C-T. GRCh37 (hg19) VCF-style: chr21-16337774-C-T.
Other names: c.2740G>A, p.Gly914Ser (NM_001439275.1, NM_001439276.1, NM_001439277.1 and 10 more transcripts); short protein forms G914S.
Identifiers: ClinVar variation 4774995 (VCV004774995.1).

ClinVar aggregate classification (germline): Uncertain significance (1 of 4 stars; one submission).

Submission:

Labcorp Genetics (formerly Invitae), Labcorp
Classification: Uncertain significance. Last evaluated: 2026-01-27. Review status: criteria provided, single submitter. Criteria: Invitae Variant Classification Sherloc (09022015). Collection method: clinical testing. Allele origin: germline.
Comment: This sequence change replaces glycine, which is neutral and non-polar, with serine, which is neutral and polar, at codon 914 of the NRIP1 protein (p.Gly914Ser). This variant is not present in population databases (gnomAD no frequency). This variant has not been reported in the literature in individuals affected with NRIP1-related conditions. An algorithm developed to predict the effect of missense changes on protein structure and function outputs the following: PolyPhen-2: "Benign". The serine amino acid residue is found in multiple mammalian species, which suggests that this missense change does not adversely affect protein function. In summary, the available evidence is currently insufficient to determine the role of this variant in disease. Therefore, it has been classified as a Variant of Uncertain Significance.